The following is an entry in ClinVar:

ClinVar aggregate classification (germline): Likely benign. Review status: criteria provided, multiple submitters, no conflicts (2 of 4 stars). 2 submissions from 2 submitters: Likely benign (2). Last evaluated 2025-10-12.

Allele frequency attached by ClinVar (database versions not stated): TOPMed 0.00001; gnomAD 0.00002; gnomAD exomes 0.00002.
gnomAD v4.1: 17 of 1,551,132 alleles (0.0011%); highest among the groups gnomAD compares: Middle Eastern, 0.067%; no homozygotes.

Submissions (2):

Labcorp Genetics (formerly Invitae), Labcorp
Classification: Likely benign. Last evaluated: 2025-10-12. Review status: criteria provided, single submitter. Criteria: Invitae Variant Classification Sherloc (09022015). Collection method: clinical testing. Allele origin: germline.

CeGaT Center for Human Genetics Tuebingen
Classification: Likely benign. Last evaluated: 2022-07-01. Review status: criteria provided, single submitter. Criteria: CeGaT Center For Human Genetics Tuebingen Variant Classification Criteria Version 2. Collection method: clinical testing. Allele origin: germline. Affected: yes. Observed: 1 variant allele.
Comment: SOX11: BP4, BS2

NM_003108.4(SOX11):c.1131C>T (p.Ser377=)

Gene: SOX11 (SRY-box transcription factor 11; plus strand). Cytogenetic location: 2p25.2.
Variant type: single nucleotide variant.
Coding change: c.1131C>T on transcript NM_003108.4 (MANE Select); coding-DNA position 1131, C replaced by T.
Protein change: p.Ser377=; no amino-acid change (serine 377 retained).
Molecular consequence: synonymous variant.
Genome position (GRCh38, 1-based): chr2:5,693,852, C>T. VCF-style: chr2-5693852-C-T. GRCh37 (hg19) VCF-style: chr2-5833984-C-T.
Identifiers: ClinVar variation 1701371 (VCV001701371.36), dbSNP rs762687158, ClinGen allele CA424696457.